The following is an entry in ClinVar:

ClinVar aggregate classification (germline): Uncertain significance. Review status: criteria provided, multiple submitters, no conflicts (2 of 4 stars). 2 submissions from 2 submitters: Uncertain significance (2). Last evaluated 2026-01-24.

Conditions:
Combined immunodeficiency due to LRBA deficiency. Also called: Common variable immunodeficiency 8, with autoimmunity. Identifiers: Orphanet 445018, MedGen C3553512, MONDO:0013863, OMIM 614700.

Allele frequency attached by ClinVar (database versions not stated): TOPMed below 0.00001.
gnomAD v4.1: 43 of 1,592,032 alleles (0.0027%); highest among the groups gnomAD compares: Non-Finnish European, 0.0034%; no homozygotes.

Submissions (2):

Labcorp Genetics (formerly Invitae), Labcorp
Classification: Uncertain significance for Combined immunodeficiency due to LRBA deficiency. Last evaluated: 2026-01-24. Review status: criteria provided, single submitter. Criteria: Invitae Variant Classification Sherloc (09022015). Collection method: clinical testing. Allele origin: germline.
Comment: This sequence change replaces leucine, which is neutral and non-polar, with phenylalanine, which is neutral and non-polar, at codon 1575 of the LRBA protein (p.Leu1575Phe). This variant is not present in population databases (gnomAD no frequency). This variant has not been reported in the literature in individuals affected with LRBA-related conditions. ClinVar contains an entry for this variant (Variation ID: 963268). An algorithm developed to predict the effect of missense changes on protein structure and function (PolyPhen-2) suggests that this variant is likely to be tolerated. In summary, the available evidence is currently insufficient to determine the role of this variant in disease. Therefore, it has been classified as a Variant of Uncertain Significance.

GeneDx
Classification: Uncertain significance. Last evaluated: 2026-01-04. Review status: criteria provided, single submitter. Criteria: GeneDx Variant Classification Process June 2021. Collection method: clinical testing. Allele origin: germline. Affected: yes.
Comment: Not observed at significant frequency in large population cohorts (gnomAD); In silico analysis suggests that this missense variant does not alter protein structure/function; Has not been previously published as pathogenic or benign to our knowledge

NM_001364905.1(LRBA):c.4723C>T (p.Leu1575Phe)

Gene: LRBA (LPS responsive beige-like anchor protein; minus strand). Cytogenetic location: 4q31.3.
Variant type: single nucleotide variant.
Coding change: c.4723C>T on transcript NM_001364905.1 (MANE Select); coding-DNA position 4723, C replaced by T.
Protein change: p.Leu1575Phe; replaces leucine 1575 with phenylalanine.
Molecular consequence: missense variant.
Genome position (GRCh38, 1-based): chr4:150,831,823, G>A on the plus strand (C>T on the coding strand, the complement: LRBA is on the minus strand). VCF-style: chr4-150831823-G-A. GRCh37 (hg19) VCF-style: chr4-151752975-G-A.
Other names: c.4723C>T, p.Leu1575Phe (NM_001199282.3, NM_001367550.1, NM_006726.5); short protein forms L1575F.
Identifiers: ClinVar variation 963268 (VCV000963268.11), dbSNP rs1182264315, ClinGen allele CA358446267.